The following is an entry in ClinVar:

NM_000051.4(ATM):c.2240A>G (p.Gln747Arg)

Gene: ATM (ATM serine/threonine kinase; plus strand). Cytogenetic location: 11q22.3.
Variant type: single nucleotide variant.
Coding change: c.2240A>G on transcript NM_000051.4 (MANE Select); coding-DNA position 2240, A replaced by G.
Protein change: p.Gln747Arg; replaces glutamine 747 with arginine.
Molecular consequence: missense variant.
Genome position (GRCh38, 1-based): chr11:108,256,330, A>G. VCF-style: chr11-108256330-A-G. GRCh37 (hg19) VCF-style: chr11-108127057-A-G.
Other names: c.2240A>G, p.Gln747Arg (NM_001351834.2); short protein forms Q747R.
Identifiers: ClinVar variation 2625003 (VCV002625003.4), dbSNP rs2135394698, ClinGen allele CA382539246.
Genomic context (GRCh38, chr11:108,256,330, plus strand): 5'-GCTGCTACTGTTACATGGGTGTAATAGCTGAAGAGGAAGCATATAAGTCAGAATTATTCC[A>G]GAAAGCCAAGGTAGGAGAATTTATACTAATAAAGTTTCGGATAAATTTGAATGAAATGTA-3'
Protein context (NP_000042.3, residues 737-757): EEEAYKSELF[Gln747Arg]KAKSLMQCAG

ClinVar aggregate classification (germline): Uncertain significance. Review status: criteria provided, multiple submitters, no conflicts (2 of 4 stars). 2 submissions from 2 submitters: Uncertain significance (2). Last evaluated 2025-01-21.

Conditions:
Ataxia-telangiectasia syndrome (AT). Also called: Cerebello-oculocutaneous telangiectasia; Immunodeficiency with ataxia telangiectasia; Ataxia-telangiectasia, complementation group D; ATAXIA-TELANGIECTASIA, COMPLEMENTATION GROUP A; ATAXIA-TELANGIECTASIA, FRESNO VARIANT; Ataxia-telangiectasia. Identifiers: Orphanet 100, MedGen C0004135, MONDO:0008840, OMIM 208900.
Hereditary cancer-predisposing syndrome. Also called: Tumor predisposition; Neoplastic Syndromes, Hereditary; Hereditary Cancer Syndrome; Hereditary neoplastic syndrome. Identifiers: Orphanet 140162, MedGen C0027672, MeSH D009386, MONDO:0015356.

Allele frequency attached by ClinVar (database versions not stated): gnomAD exomes below 0.00001.
gnomAD v4.1: 3 of 1,610,144 alleles (0.00019%); highest among the groups gnomAD compares: Non-Finnish European, 0.00025%; no homozygotes.

Submissions (2):

Labcorp Genetics (formerly Invitae), Labcorp
Classification: Uncertain significance for Ataxia-telangiectasia syndrome. Last evaluated: 2025-01-21. Review status: criteria provided, single submitter. Criteria: Invitae Variant Classification Sherloc (09022015). Collection method: clinical testing. Allele origin: germline.
Comment: This sequence change replaces glutamine, which is neutral and polar, with arginine, which is basic and polar, at codon 747 of the ATM protein (p.Gln747Arg). This variant is not present in population databases (gnomAD no frequency). This variant has not been reported in the literature in individuals affected with ATM-related conditions. ClinVar contains an entry for this variant (Variation ID: 2625003). Invitae Evidence Modeling of protein sequence and biophysical properties (such as structural, functional, and spatial information, amino acid conservation, physicochemical variation, residue mobility, and thermodynamic stability) indicates that this missense variant is not expected to disrupt ATM protein function with a negative predictive value of 95%. In summary, the available evidence is currently insufficient to determine the role of this variant in disease. Therefore, it has been classified as a Variant of Uncertain Significance.

Ambry Genetics
Classification: Uncertain significance for Hereditary cancer-predisposing syndrome. Last evaluated: 2023-06-29. Review status: criteria provided, single submitter. Criteria: Ambry Variant Classification Scheme 2023. Collection method: clinical testing. Allele origin: germline.
Comment: The p.Q747R variant (also known as c.2240A>G), located in coding exon 13 of the ATM gene, results from an A to G substitution at nucleotide position 2240. The glutamine at codon 747 is replaced by arginine, an amino acid with highly similar properties. This alteration was identified in 1 of 13087 breast cancer cases and 0 of 5488 control individuals in the UK (Decker B et al. J Med Genet, 2017 Nov;54:732-741). This amino acid position is well conserved in available vertebrate species. In addition, this alteration is predicted to be tolerated by in silico analysis. Since supporting evidence is limited at this time, the clinical significance of this alteration remains unclear.

Literature cited by the submitters: PubMed 28779002 (cited by Ambry Genetics).